The following is an entry in ClinVar:

NM_001814.6(CTSC):c.486-25_492del

Gene: CTSC (cathepsin C; minus strand). Cytogenetic location: 11q14.2.
Variant type: Deletion.
Coding change: c.486-25_492del on transcript NM_001814.6 (MANE Select); 25 bases into the intron before coding-DNA position 486 through coding-DNA position 492, 32 bases deleted.
Molecular consequence: splice acceptor variant.
Genome position (GRCh38, 1-based): chr11:88,309,312-88,309,343, 32 bases deleted; deleting any 32 consecutive bases within chr11:88,309,312-88,309,346 gives the same sequence; the c. name uses the placement nearest the transcript's 3' end. GRCh37 (hg19): chr11:88,042,483-88,042,514.
Identifiers: ClinVar variation 2935156 (VCV002935156.3), dbSNP rs1937699293, ClinGen allele CA940570181.

ClinVar aggregate classification (germline): Likely pathogenic (1 of 4 stars; one submission).

Conditions:
Periodontitis, aggressive. Identifiers: MedGen C0031106, MONDO:0980757.
Papillon-Lefèvre syndrome (PALS). Also called: KERATOSIS PALMOPLANTARIS WITH PERIODONTOPATHIA; Papillon-Lefevre Disease. Identifiers: Orphanet 678, MedGen C0030360, MONDO:0009490, OMIM 245000.
Haim-Munk syndrome (HMS). Also called: COCHIN JEWISH DISORDER; KERATOSIS PALMOPLANTARIS WITH PERIODONTOPATHIA AND ONYCHOGRYPOSIS. Identifiers: Orphanet 2342, MedGen C1855627, MONDO:0009491, OMIM 245010.

Submission:

Labcorp Genetics (formerly Invitae), Labcorp
Classification: Likely pathogenic for Haim-Munk syndrome; Periodontitis, aggressive; Papillon-Lefèvre syndrome. Last evaluated: 2024-01-08. Review status: criteria provided, single submitter. Criteria: Invitae Variant Classification Sherloc (09022015). Collection method: clinical testing. Allele origin: germline.
Comment: This variant results in the deletion of part of exon 4 (c.486-25_492del) of the CTSC gene. It is expected to disrupt RNA splicing. Variants that disrupt the donor or acceptor splice site typically lead to a loss of protein function (PMID: 16199547), and loss-of-function variants in CTSC are known to be pathogenic (PMID: 10662808, 11106356, 11886537). This variant is not present in population databases (gnomAD no frequency). This variant has not been reported in the literature in individuals affected with CTSC-related conditions. In summary, the currently available evidence indicates that the variant is pathogenic, but additional data are needed to prove that conclusively. Therefore, this variant has been classified as Likely Pathogenic.

Literature cited by the submitters: PubMed 16199547; PubMed 10662808; PubMed 11106356; PubMed 11886537.